The following is an entry in ClinVar:

ClinVar aggregate classification (germline): Uncertain significance (1 of 4 stars; one submission).

Conditions:
Sifrim-Hitz-Weiss syndrome (SIHIWES). Also called: SIFRIM-HITZ-WEISS MULTIPLE CONGENITAL ANOMALIES-MENTAL RETARDATION SYNDROME; CHD4 Neurodevelopmental Disorder. Identifiers: Orphanet 653712, MedGen C4310688, MONDO:0014946, OMIM 617159.

gnomAD v4.1: 2 of 1,614,088 alleles (0.00012%); highest among the groups gnomAD compares: Non-Finnish European, 0.000085%; no homozygotes.

Submission:

OLLIN Analises Genomicas, OLLIN
Classification: Uncertain significance for Sifrim-Hitz-Weiss syndrome. Last evaluated: 2026-08-06. Review status: criteria provided, single submitter. Criteria: ACMG Guidelines 2015 PMID 25741868. Collection method: clinical testing. Allele origin: germline. Inheritance: Autosomal dominant inheritance.
Comment: This missense variant, located in exon 39 (of 40), has been observed in gnomAD with an allele frequency of 0.00012%, but has not been reported in ClinVar or identified in the literature. In silico analysis predicts that this variant has a deleterious effect. This gene is constrained for missense variation. According to the currently available evidence, this variant has been classified as uncertain significance (PP2, PP3_M, BS2).

NM_001273.5(CHD4):c.5633T>C (p.Ile1878Thr)

Genes: CHD4 (chromodomain helicase DNA binding protein 4; minus strand), CHD4-AS1 (CHD4 antisense RNA 1; plus strand). Cytogenetic location: 12p13.31.
Variant type: single nucleotide variant.
Coding change: c.5633T>C on transcript NM_001273.5 (MANE Select); coding-DNA position 5633, T replaced by C.
Protein change: p.Ile1878Thr; replaces isoleucine 1878 with threonine.
Molecular consequence: missense variant.
Genome position (GRCh38, 1-based): chr12:6,570,957, A>G on the plus strand (T>C on the coding strand, the complement: CHD4 is on the minus strand). VCF-style: chr12-6570957-A-G. GRCh37 (hg19) VCF-style: chr12-6680123-A-G.
Other names: c.5612T>C, p.Ile1871Thr (NM_001297553.2); c.5603T>C, p.Ile1868Thr (NM_001363606.2); short protein forms I1868T, I1878T, I1871T.
Identifiers: ClinVar variation 5002792 (VCV005002792.1).